The following is an entry in ClinVar:

ClinVar aggregate classification (germline): Conflicting classifications of pathogenicity. Review status: criteria provided, conflicting classifications (1 of 4 stars). 2 submissions from 2 submitters: Uncertain significance (1); Likely benign (1). Last evaluated 2025-02-05.

Conditions:
Retinoblastoma (RB1). Also called: RETINOBLASTOMA, SOMATIC. Identifiers: Orphanet 790, MedGen C0035335, MeSH D012175, MONDO:0008380, OMIM 180200, HP:0009919. Disease mechanism: loss of function. Inheritance: Both sporadic and heritable forms are tested..

Allele frequency attached by ClinVar (database versions not stated): gnomAD exomes below 0.00001 and 0.00001; gnomAD 0.00001; TOPMed 0.00001; ESP Exome Variant Server 0.00008.
gnomAD v4.1: 3 of 1,610,058 alleles (0.00019%); highest among the groups gnomAD compares: Non-Finnish European, 0.00025%; no homozygotes.

Submissions (2):

Labcorp Genetics (formerly Invitae), Labcorp
Classification: Likely benign for Retinoblastoma. Last evaluated: 2025-02-05. Review status: criteria provided, single submitter. Criteria: Invitae Variant Classification Sherloc (09022015). Collection method: clinical testing. Allele origin: germline.

All of Us Research Program, National Institutes of Health
Classification: Uncertain significance for Retinoblastoma. Last evaluated: 2023-11-30. Review status: criteria provided, single submitter. Criteria: ACMG Guidelines, 2015. Collection method: clinical testing. Allele origin: germline. Inheritance: Autosomal dominant inheritance. Observed: 4 variant alleles, 4 heterozygotes.
Comment: This variant causes a T to C nucleotide substitution at the +6 position of intron 8 of the RB1 gene. To our knowledge, RNA studies have not been reported for this variant. This variant has not been reported in individuals affected with RB1-related disorders in the literature. This variant has been identified in 2/250730 chromosomes in the general population by the Genome Aggregation Database (gnomAD). The available evidence is insufficient to determine the role of this variant in disease conclusively. Therefore, this variant is classified as a Variant of Uncertain Significance.

This study involves interpretation of variants in research participants for the purpose of population health screening. Participant phenotype was not available at the time of variant classification. Additional details can be found in publication PMID: 35346344, PMCID: PMC8962531

NM_000321.3(RB1):c.861+6T>C

Gene: RB1 (RB transcriptional corepressor 1; plus strand). Cytogenetic location: 13q14.2.
Variant type: single nucleotide variant.
Coding change: c.861+6T>C on transcript NM_000321.3 (MANE Select); 6 bases into the intron after coding-DNA position 861, T replaced by C.
Molecular consequence: intron variant.
Genome position (GRCh38, 1-based): chr13:48,362,963, T>C. VCF-style: chr13-48362963-T-C. GRCh37 (hg19) VCF-style: chr13-48937099-T-C.
Identifiers: ClinVar variation 1461587 (VCV001461587.7), dbSNP rs373380507, ClinGen allele CA249274446.